The following is an entry in ClinVar:

NM_001035.3(RYR2):c.1612+257A>T

Gene: RYR2 (ryanodine receptor 2; plus strand). Cytogenetic location: 1q43.
Variant type: single nucleotide variant.
Coding change: c.1612+257A>T on transcript NM_001035.3 (MANE Select); 257 bases into the intron after coding-DNA position 1612, A replaced by T.
Molecular consequence: intron variant.
Genome position (GRCh38, 1-based): chr1:237,456,992, A>T. VCF-style: chr1-237456992-A-T. GRCh37 (hg19) VCF-style: chr1-237620292-A-T.
Identifiers: ClinVar variation 683769 (VCV000683769.1), dbSNP rs79812981, ClinGen allele CA39786977.

ClinVar aggregate classification (germline): Likely benign (1 of 4 stars; one submission).

Allele frequency attached by ClinVar (database versions not stated): 1000 Genomes Project 0.01278; 1000 Genomes Project 30x 0.01390; TOPMed 0.03028; gnomAD 0.03215 and 0.03285.
gnomAD v4.1: 4,866 of 152,260 alleles (3.2%); highest among the groups gnomAD compares: Non-Finnish European, 5.3%; 104 homozygotes.

Submission:

GeneDx
Classification: Likely benign. Last evaluated: 2018-06-14. Review status: criteria provided, single submitter. Criteria: GeneDx Variant Classification (06012015). Collection method: clinical testing. Allele origin: germline. Affected: yes.
Comment: This variant is considered likely benign or benign based on one or more of the following criteria: it is a conservative change, it occurs at a poorly conserved position in the protein, it is predicted to be benign by multiple in silico algorithms, and/or has population frequency not consistent with disease.